The following is an entry in ClinVar:

ClinVar aggregate classification (germline): Uncertain significance (1 of 4 stars; one submission).

Conditions:
Cardiomyopathy (CMYO). Also called: Cardiomyopathies. Identifiers: Orphanet 167848, MedGen C0878544, MONDO:0004994, HP:0001638. Inheritance: Various modes of inheritance.

Submission:

Color Diagnostics, LLC DBA Color Health
Classification: Uncertain significance for Cardiomyopathy. Last evaluated: 2025-06-09. Review status: criteria provided, single submitter. Criteria: ACMG Guidelines, 2015. Collection method: clinical testing. Allele origin: germline.
Comment: This variant is located in the 3' untranslated region of the TNNI3 gene. To our knowledge, functional studies have not been reported for this variant. This variant has not been reported in individuals affected with TNNI3-related disorders in the literature. This variant has not been identified in the general population by the Genome Aggregation Database (gnomAD). The available evidence is insufficient to determine the role of this variant in disease conclusively. Therefore, this variant is classified as a Variant of Uncertain Significance.

NM_000363.5(TNNI3):c.*3C>G

Gene: TNNI3 (troponin I3, cardiac type; minus strand). Cytogenetic location: 19q13.42.
Variant type: single nucleotide variant.
Coding change: c.*3C>G on transcript NM_000363.5 (MANE Select); 3 bases downstream of the stop codon, C replaced by G.
Molecular consequence: 3 prime UTR variant.
Genome position (GRCh38, 1-based): chr19:55,151,831, G>C on the plus strand (C>G on the coding strand, the complement: TNNI3 is on the minus strand). VCF-style: chr19-55151831-G-C. GRCh37 (hg19) VCF-style: chr19-55663199-G-C.
Identifiers: ClinVar variation 4756863 (VCV004756863.1).
Genomic context (GRCh38, chr19:55,151,831, plus strand): 5'-AGCTCAGAGAGAAGCTTTATTCCTCAGGGCCCTCCTCAGGGCAGGGGCAGTAGGCAGGAA[G>C]GCTCAGCTCTCAAACTTTTTCTTGCGGCCCTCCATTCCACTCAGTGCATCGATGTTCTTG-3'